The following is an entry in ClinVar:

ClinVar aggregate classification (germline): Uncertain significance. Review status: criteria provided, multiple submitters, no conflicts (2 of 4 stars). 2 submissions from 2 submitters: Uncertain significance (2). Last evaluated 2025-10-02.

Conditions:
Bethlem myopathy 1A. Also called: MYOPATHY, BENIGN CONGENITAL, WITH CONTRACTURES; Bethlem myopathy 1; Bethlem Muscular Dystrophy. Identifiers: Orphanet 610, MedGen CN029274, MONDO:0024530, OMIM 158810.

Submissions (2):

Labcorp Genetics (formerly Invitae), Labcorp
Classification: Uncertain significance for Bethlem myopathy 1A. Last evaluated: 2025-10-02. Review status: criteria provided, single submitter. Criteria: Invitae Variant Classification Sherloc (09022015). Collection method: clinical testing. Allele origin: germline.
Comment: This sequence change falls in intron 10 of the COL6A1 gene. It does not directly change the encoded amino acid sequence of the COL6A1 protein. This variant is not present in population databases (gnomAD no frequency). This variant has not been reported in the literature in individuals affected with COL6A1-related conditions. ClinVar contains an entry for this variant (Variation ID: 1508916). Algorithms developed to predict the effect of sequence changes on RNA splicing suggest that this variant may disrupt the consensus splice site. This variant disrupts the c.904-39A nucleotide in the COL6A1 gene. Other variant(s) that disrupt this nucleotide have been determined to be pathogenic (PMID: 20976770). This suggests that this nucleotide is clinically significant, and that variants that disrupt this position are likely to be disease-causing. In summary, the available evidence is currently insufficient to determine the role of this variant in disease. Therefore, it has been classified as a Variant of Uncertain Significance.

GeneDx
Classification: Uncertain significance. Last evaluated: 2022-10-31. Review status: criteria provided, single submitter. Criteria: GeneDx Variant Classification Process June 2021. Collection method: clinical testing. Allele origin: germline. Affected: yes.
Comment: Not observed at significant frequency in large population cohorts (gnomAD); In silico analysis supports that this variant does not alter splicing; Has not been previously published as pathogenic or benign to our knowledge

Literature cited by the submitters: PubMed 20976770 (cited by Labcorp Genetics (formerly Invitae), Labcorp).

NM_001848.3(COL6A1):c.904-39A>T

Gene: COL6A1 (collagen type VI alpha 1 chain; plus strand). Cytogenetic location: 21q22.3.
Variant type: single nucleotide variant.
Coding change: c.904-39A>T on transcript NM_001848.3 (MANE Select); 39 bases into the intron before coding-DNA position 904, A replaced by T.
Molecular consequence: intron variant.
Genome position (GRCh38, 1-based): chr21:45,989,713, A>T. VCF-style: chr21-45989713-A-T. GRCh37 (hg19) VCF-style: chr21-47409627-A-T.
Identifiers: ClinVar variation 1508916 (VCV001508916.8), dbSNP rs1569518138, ClinGen allele CA2573157619.